The following is an entry in ClinVar:

NM_024675.4(PALB2):c.2582T>A (p.Leu861Ter)

Gene: PALB2 (partner and localizer of BRCA2; minus strand). Cytogenetic location: 16p12.2.
Variant type: single nucleotide variant.
Coding change: c.2582T>A on transcript NM_024675.4 (MANE Select); coding-DNA position 2582, T replaced by A.
Protein change: p.Leu861Ter; replaces leucine 861 with a stop codon.
Molecular consequence: nonsense. On other transcripts: intron variant (1).
Genome position (GRCh38, 1-based): chr16:23,629,208, A>T on the plus strand (T>A on the coding strand, the complement: PALB2 is on the minus strand). VCF-style: chr16-23629208-A-T. GRCh37 (hg19) VCF-style: chr16-23640529-A-T.
Other names: c.2582T>A, p.Leu861Ter (NM_001407299.1, NM_001407300.1, NM_001407301.1 and 2 more transcripts); c.1697T>A, p.Leu566Ter (NM_001407304.1, NM_001407305.1, NM_001407306.1 and 5 more transcripts); c.794T>A, p.Leu265Ter (NM_001407312.1, NM_001407313.1); c.116T>A, p.Leu39Ter (NM_001407314.1); c.2514+432T>A (NM_001407297.1); c.2522T>A, p.Leu841Ter (NM_001407296.1); short protein forms L861*, L39*, L566*, L841*, L265*.
Identifiers: ClinVar variation 5026196 (VCV005026196.1).
Genomic context (GRCh38, chr16:23,629,208, plus strand): 5'-TCATTAAAGTTTTCATATGTAAGACACGAGACACTGGAAGAGAATATTCTTCTGACCTTT[A>T]ACTCTGAAACCAATTGTAGGTTGCCTGGGTTTATGCTATCAGAAGCAGGAAGCTCTGCTG-3'

ClinVar aggregate classification (germline): Pathogenic (1 of 4 stars; one submission).

Conditions:
Hereditary cancer-predisposing syndrome. Also called: Neoplastic Syndromes, Hereditary; Tumor predisposition; Hereditary neoplastic syndrome; Hereditary Cancer Syndrome. Identifiers: Orphanet 140162, MedGen C0027672, MeSH D009386, MONDO:0015356.

Submission:

Ambry Genetics
Classification: Pathogenic for Hereditary cancer-predisposing syndrome. Last evaluated: 2026-08-27. Review status: criteria provided, single submitter. Criteria: Ambry Variant Classification Scheme 2023. Collection method: clinical testing. Allele origin: germline.
Comment: The p.L861* pathogenic mutation (also known as c.2582T>A), located in coding exon 6 of the PALB2 gene, results from a T to A substitution at nucleotide position 2582. This changes the amino acid from a leucine to a stop codon within coding exon 6. This variant is considered to be rare based on population cohorts in the Genome Aggregation Database (gnomAD). This alteration is expected to result in loss of function by premature protein truncation or nonsense-mediated mRNA decay. As such, this alteration is interpreted as a disease-causing mutation.